The following is an entry in ClinVar:

ClinVar aggregate classification (germline): Uncertain significance (1 of 4 stars; one submission).

Conditions:
Cardiovascular phenotype. Identifiers: MedGen CN230736.

Submission:

Ambry Genetics
Classification: Uncertain significance for Cardiovascular phenotype. Last evaluated: 2019-09-16. Review status: criteria provided, single submitter. Criteria: Ambry Variant Classification Scheme 2023. Collection method: clinical testing. Allele origin: germline.
Comment: The p.S397G variant (also known as c.1189A>G), located in coding exon 6 of the TTN gene, results from an A to G substitution at nucleotide position 1189. The serine at codon 397 is replaced by glycine, an amino acid with similar properties. This amino acid position is not well conserved in available vertebrate species. In addition, this alteration is predicted to be tolerated by in silico analysis. Since supporting evidence is limited at this time, the clinical significance of this alteration remains unclear.

NM_001267550.2(TTN):c.1189A>G (p.Ser397Gly)

Gene: TTN (titin; minus strand). Cytogenetic location: 2q31.2.
Variant type: single nucleotide variant.
Coding change: c.1189A>G on transcript NM_001267550.2 (MANE Select); coding-DNA position 1189, A replaced by G.
Protein change: p.Ser397Gly; replaces serine 397 with glycine.
Molecular consequence: missense variant.
Genome position (GRCh38, 1-based): chr2:178,794,978, T>C on the plus strand (A>G on the coding strand, the complement: TTN is on the minus strand). VCF-style: chr2-178794978-T-C. GRCh37 (hg19) VCF-style: chr2-179659705-T-C.
Other names: c.1189A>G, p.Ser397Gly (NM_001256850.1, NM_003319.4, NM_133378.4 and 3 more transcripts); short protein forms S397G.
Identifiers: ClinVar variation 1744240 (VCV001744240.2), dbSNP rs2534083510, ClinGen allele CA349517538.